The following is an entry in ClinVar:

NM_006940.6(SOX5):c.482-2A>C

Gene: SOX5 (SRY-box transcription factor 5; minus strand). Cytogenetic location: 12p12.1.
Variant type: single nucleotide variant.
Coding change: c.482-2A>C on transcript NM_006940.6 (MANE Select); the canonical splice acceptor site of the intron before coding-DNA position 482, A replaced by C.
Molecular consequence: splice acceptor variant.
Genome position (GRCh38, 1-based): chr12:23,755,726, T>G on the plus strand (A>C on the coding strand, the complement: SOX5 is on the minus strand). VCF-style: chr12-23755726-T-G. GRCh37 (hg19) VCF-style: chr12-23908660-T-G.
Other names: c.443-2A>C (NM_152989.5, NM_001261414.3); c.452-2A>C (NM_001261415.3); c.377-2A>C (NM_001330785.2).
Identifiers: ClinVar variation 374026 (VCV000374026.4), dbSNP rs1057518845, ClinGen allele CA16043469.
Genomic context (GRCh38, chr12:23,755,726, plus strand): 5'-CATTGCAAGAAGCTTGTCTTTCCAGTCCTTTGAGAGTAGTTTTTCAATACTGGGGGTTTC[T>G]AAGTAAAGAAAAAAAGAAGTGAGCAAATCAACATGACTCTCCTTACAATGGAGCTCATTA-3'

ClinVar aggregate classification (germline): Likely pathogenic. Review status: criteria provided, single submitter (1 of 4 stars). 2 submissions from 1 submitter: Likely pathogenic (2). Last evaluated 2016-01-01.

Conditions:
Lamb-Shaffer syndrome. Identifiers: Orphanet 313884, Orphanet 313892, Orphanet 530983, MedGen C4225202, MONDO:0014778, OMIM 616803.
Thoracolumbar scoliosis. Identifiers: MedGen C0749379, HP:0002944.
Central hypotonia. Identifiers: MedGen C1842364, HP:0011398.
Generalized hypotonia. Identifiers: MedGen C1858120, HP:0001290.
Aplasia/Hypoplasia of the nails. Identifiers: MedGen C1859077, HP:0008386.
Strabismus. Identifiers: MedGen C0038379, MONDO:0003432, HP:0000486.

Submissions (2):

Centre for Mendelian Genomics, University Medical Centre Ljubljana
Classification: Likely pathogenic for Lamb-Shaffer syndrome. Last evaluated: 2016-01-01. Review status: criteria provided, single submitter. Criteria: ACMG Guidelines, 2015. Collection method: clinical testing. Allele origin: unknown. Affected: yes.
Comment: This variant was classified as: Likely pathogenic. This variant arose de novo in at least one reported proband.

Centre for Mendelian Genomics, University Medical Centre Ljubljana
Classification: Likely pathogenic for Aplasia/Hypoplasia of the nails; Central hypotonia; Generalized hypotonia; Strabismus; Thoracolumbar scoliosis. Last evaluated: 2015-03-10. Review status: criteria provided, single submitter. Criteria: ACMG Guidelines, 2015. Collection method: clinical testing. Allele origin: unknown. Affected: yes.